The following is an entry in ClinVar:

ClinVar aggregate classification (germline): Benign/Likely benign. Review status: criteria provided, multiple submitters, no conflicts (2 of 4 stars). 3 submissions from 3 submitters: Benign (1); Likely benign (2). Last evaluated 2025-03-16.

Allele frequency attached by ClinVar (database versions not stated): gnomAD exomes 0.00019 and 0.00040; ExAC 0.00050; 1000 Genomes Project 0.00060; 1000 Genomes Project 30x 0.00062.
gnomAD v4.1: 301 of 1,614,112 alleles (0.019%); highest among the groups gnomAD compares: South Asian, 0.25%; 7 homozygotes.

Submissions (3):

Labcorp Genetics (formerly Invitae), Labcorp
Classification: Benign. Last evaluated: 2025-03-16. Review status: criteria provided, single submitter. Criteria: Invitae Variant Classification Sherloc (09022015). Collection method: clinical testing. Allele origin: germline.

Blueprint Genetics
Classification: Likely benign. Last evaluated: 2024-11-06. Review status: criteria provided, single submitter. Criteria: ACMG Guidelines, 2015. Collection method: clinical testing. Allele origin: germline.

CeGaT Center for Human Genetics Tuebingen
Classification: Likely benign. Last evaluated: 2022-08-01. Review status: criteria provided, single submitter. Criteria: CeGaT Center For Human Genetics Tuebingen Variant Classification Criteria Version 2. Collection method: clinical testing. Allele origin: germline. Affected: yes. Observed: 2 variant alleles.
Comment: INTU: BP4, BP7

NM_015693.4(INTU):c.2085G>A (p.Thr695=)

Gene: INTU (inturned planar cell polarity protein; plus strand). Cytogenetic location: 4q28.1.
Variant type: single nucleotide variant.
Coding change: c.2085G>A on transcript NM_015693.4 (MANE Select); coding-DNA position 2085, G replaced by A.
Protein change: p.Thr695=; no amino-acid change (threonine 695 retained).
Molecular consequence: synonymous variant.
Genome position (GRCh38, 1-based): chr4:127,706,783, G>A. VCF-style: chr4-127706783-G-A. GRCh37 (hg19) VCF-style: chr4-128627938-G-A.
Identifiers: ClinVar variation 916197 (VCV000916197.47), dbSNP rs548278763, ClinGen allele CA3075246.
Genomic context (GRCh38, chr4:127,706,783, plus strand): 5'-TATTCTCAGTAGGCTACAAGGTACTTCCAAAGTAGCAACTTCTCCAACATGCAGAAGAAC[G>A]CTTTTTGGTGACTATTCCTTAAAGACACGCAAGCCTAGTCCTTCCTGTAGTAGTGGAGGA-3'
Protein context (NP_056508.2, residues 685-705): KVATSPTCRR[Thr695=]LFGDYSLKTR